The following is an entry in ClinVar:

ClinVar aggregate classification (germline): Uncertain significance (1 of 4 stars; one submission).

Allele frequency attached by ClinVar (database versions not stated): gnomAD exomes below 0.00001; ExAC 0.00001.

Submission:

Labcorp Genetics (formerly Invitae), Labcorp
Classification: Uncertain significance. Last evaluated: 2022-11-01. Review status: criteria provided, single submitter. Criteria: Invitae Variant Classification Sherloc (09022015). Collection method: clinical testing. Allele origin: germline.
Comment: This sequence change replaces proline, which is neutral and non-polar, with serine, which is neutral and polar, at codon 88 of the CABP4 protein (p.Pro88Ser). This variant is present in population databases (rs756686904, gnomAD 0.007%). This variant has not been reported in the literature in individuals affected with CABP4-related conditions. Advanced modeling of protein sequence and biophysical properties (such as structural, functional, and spatial information, amino acid conservation, physicochemical variation, residue mobility, and thermodynamic stability) performed at Invitae indicates that this missense variant is not expected to disrupt CABP4 protein function. In summary, the available evidence is currently insufficient to determine the role of this variant in disease. Therefore, it has been classified as a Variant of Uncertain Significance.

NM_145200.5(CABP4):c.262C>T (p.Pro88Ser)

Gene: CABP4 (calcium binding protein 4; plus strand). Cytogenetic location: 11q13.2.
Variant type: single nucleotide variant.
Coding change: c.262C>T on transcript NM_145200.5 (MANE Select); coding-DNA position 262, C replaced by T.
Protein change: p.Pro88Ser; replaces proline 88 with serine.
Molecular consequence: missense variant. On other transcripts: 5 prime UTR variant (2), non-coding transcript variant (1), intron variant (1).
Genome position (GRCh38, 1-based): chr11:67,455,685, C>T. VCF-style: chr11-67455685-C-T. GRCh37 (hg19) VCF-style: chr11-67223156-C-T.
Other names: c.-122C>T (NM_001300895.3); c.-136C>T (NM_001379183.1); c.-112-24C>T (NM_001300896.3); short protein forms P88S.
Identifiers: ClinVar variation 2166384 (VCV002166384.1), dbSNP rs756686904, ClinGen allele CA6140117.
Genomic context (GRCh38, chr11:67,455,685, plus strand): 5'-GGGAGCAGCAATAACCCTCCCAGCACTGGAGAGGGGCCGGCGGGCGCACCCCCTGCATCC[C>T]CTGGGCCGGCCTCTTCTCGCCAGTCCCACCGACATCGTCCTGACTCCCTGCACGACGCTG-3'
Protein context (NP_660201.1, residues 78-98): EGPAGAPPAS[Pro88Ser]GPASSRQSHR